The following is an entry in ClinVar:

NM_015662.3(IFT172):c.4311+6G>T

Gene: IFT172 (intraflagellar transport 172; minus strand). Cytogenetic location: 2p23.3.
Variant type: single nucleotide variant.
Coding change: c.4311+6G>T on transcript NM_015662.3 (MANE Select); 6 bases into the intron after coding-DNA position 4311, G replaced by T.
Molecular consequence: intron variant.
Genome position (GRCh38, 1-based): chr2:27,449,288, C>A on the plus strand (G>T on the coding strand, the complement: IFT172 is on the minus strand). VCF-style: chr2-27449288-C-A. GRCh37 (hg19) VCF-style: chr2-27672155-C-A.
Identifiers: ClinVar variation 1440868 (VCV001440868.6), dbSNP rs1210994251, ClinGen allele CA2573134444.
Genomic context (GRCh38, chr2:27,449,288, plus strand): 5'-CTTTGAGGCAGGTGGGGAATCAAGGGAAAATGTAAAGAAAAACTGGGAATGGGAAGAGAG[C>A]AGTACCTGCTTGGTAGCTGTTTCAATGCACTTGTCCCACTGGCCCTGCTCCACATACAGG-3'

ClinVar aggregate classification (germline): Uncertain significance (1 of 4 stars; one submission).

Conditions:
Retinitis pigmentosa 71 (RP71). Identifiers: Orphanet 791, MedGen C4225342, MONDO:0014618, OMIM 616394.
Short-rib thoracic dysplasia 10 with or without polydactyly (SRTD10). Identifiers: Orphanet 474, MedGen C3810175, MONDO:0014284, OMIM 615630.

Submission:

Labcorp Genetics (formerly Invitae), Labcorp
Classification: Uncertain significance for Retinitis pigmentosa 71; Short-rib thoracic dysplasia 10 with or without polydactyly. Last evaluated: 2022-06-27. Review status: criteria provided, single submitter. Criteria: Invitae Variant Classification Sherloc (09022015). Collection method: clinical testing. Allele origin: germline.
Comment: In summary, the available evidence is currently insufficient to determine the role of this variant in disease. Therefore, it has been classified as a Variant of Uncertain Significance. Variants that disrupt the consensus splice site are a relatively common cause of aberrant splicing (PMID: 17576681, 9536098). Algorithms developed to predict the effect of sequence changes on RNA splicing suggest that this variant is not likely to affect RNA splicing. This variant has not been reported in the literature in individuals affected with IFT172-related conditions. This variant is not present in population databases (gnomAD no frequency). This sequence change falls in intron 39 of the IFT172 gene. It does not directly change the encoded amino acid sequence of the IFT172 protein. It affects a nucleotide within the consensus splice site.

Literature cited by the submitters: PubMed 17576681; PubMed 9536098.